The following is an entry in ClinVar:

NM_198994.3(TGM6):c.2092G>A (p.Val698Met)

Gene: TGM6 (transglutaminase 6; plus strand). Cytogenetic location: 20p13.
Variant type: single nucleotide variant.
Coding change: c.2092G>A on transcript NM_198994.3 (MANE Select); coding-DNA position 2092, G replaced by A.
Protein change: p.Val698Met; replaces valine 698 with methionine.
Molecular consequence: missense variant. On other transcripts: 3 prime UTR variant (1).
Genome position (GRCh38, 1-based): chr20:2,432,614, G>A. VCF-style: chr20-2432614-G-A. GRCh37 (hg19) VCF-style: chr20-2413260-G-A.
Other names: c.*80G>A (NM_001254734.2); short protein forms V698M.
Identifiers: ClinVar variation 5001664 (VCV005001664.1).

ClinVar aggregate classification (germline): Uncertain significance (1 of 4 stars; one submission).

Conditions:
TGM6-related disorder. Also called: TGM6-related condition.

gnomAD v4.1: 16 of 1,614,118 alleles (0.00099%); highest among the groups gnomAD compares: East Asian, 0.036%; no homozygotes.

Submission:

PreventionGenetics, part of Exact Sciences
Classification: Uncertain significance for TGM6-related condition. Last evaluated: 2025-02-04. Review status: criteria provided, single submitter. Criteria: ACMG Guidelines, 2015. Collection method: clinical testing. Allele origin: germline.
Comment: The TGM6 c.2092G>A variant is predicted to result in the amino acid substitution p.Val698Met. To our knowledge, this variant has not been reported in the literature or in a large population database (gnomAD), indicating this variant is rare. At this time, the clinical significance of this variant is uncertain due to the absence of conclusive functional and genetic evidence.